The following is an entry in ClinVar:

ClinVar aggregate classification (germline): Benign/Likely benign. Review status: criteria provided, multiple submitters, no conflicts (2 of 4 stars). 3 submissions from 3 submitters: Benign (1); Likely benign (1). 1 of the submissions does not count toward it. Last evaluated 2025-10-22.

Conditions:
P4HB-related disorder. Also called: P4HB-related condition.

Allele frequency attached by ClinVar (database versions not stated): ExAC 0.00025; TOPMed 0.00025; gnomAD exomes 0.00029 and 0.00052; gnomAD 0.00035 and 0.00038; ESP Exome Variant Server 0.00054.
gnomAD v4.1: 798 of 1,613,792 alleles (0.049%); highest among the groups gnomAD compares: Non-Finnish European, 0.063%; 1 homozygote.

Submissions (3):

Labcorp Genetics (formerly Invitae), Labcorp
Classification: Benign. Last evaluated: 2025-10-22. Review status: criteria provided, single submitter. Criteria: Invitae Variant Classification Sherloc (09022015). Collection method: clinical testing. Allele origin: germline.

Blueprint Genetics
Classification: Likely benign. Last evaluated: 2024-10-22. Review status: criteria provided, single submitter. Criteria: ACMG Guidelines, 2015. Collection method: clinical testing. Allele origin: germline.

PreventionGenetics, part of Exact Sciences
Classification: Likely benign for P4HB-related condition. Last evaluated: 2022-02-10. Review status: no assertion criteria provided. Collection method: clinical testing. Allele origin: germline. Not counted in ClinVar's aggregate classification.
Comment: This variant is classified as likely benign based on ACMG/AMP sequence variant interpretation guidelines (Richards et al. 2015 PMID: 25741868, with internal and published modifications).

NM_000918.4(P4HB):c.874G>A (p.Asp292Asn)

Gene: P4HB (prolyl 4-hydroxylase subunit beta; minus strand). Cytogenetic location: 17q25.3.
Variant type: single nucleotide variant.
Coding change: c.874G>A on transcript NM_000918.4 (MANE Select); coding-DNA position 874, G replaced by A.
Protein change: p.Asp292Asn; replaces aspartic acid 292 with asparagine.
Molecular consequence: missense variant.
Genome position (GRCh38, 1-based): chr17:81,846,611, C>T on the plus strand (G>A on the coding strand, the complement: P4HB is on the minus strand). VCF-style: chr17-81846611-C-T. GRCh37 (hg19) VCF-style: chr17-79804487-C-T.
Other names: c.874G>A (NM_000918.3); short protein forms D292N.
Identifiers: ClinVar variation 1634551 (VCV001634551.11), dbSNP rs145209834, ClinGen allele CA8842798.
Genomic context (GRCh38, chr17:81,846,611, plus strand): 5'-ACTCTTCCTTCTTCAGGCCAAAGAACTCGAGGATGCGCTGGTTGTCGGTGTGGTCGCTGT[C>T]GATGAAGATGAACAGGATCTGGGGGAGAAAAGGAGGTTGCACAGGTGCGGGAGACGGCTG-3'
Protein context (NP_000909.2, residues 282-302): FKGKILFIFI[Asp292Asn]SDHTDNQRIL